The following is an entry in ClinVar:

NM_001267550.2(TTN):c.55306G>A (p.Glu18436Lys)

Genes: TTN (titin; minus strand), TTN-AS1 (TTN antisense RNA 1; plus strand). Cytogenetic location: 2q31.2.
Variant type: single nucleotide variant.
Coding change: c.55306G>A on transcript NM_001267550.2 (MANE Select); coding-DNA position 55306, G replaced by A.
Protein change: p.Glu18436Lys; replaces glutamic acid 18436 with lysine.
Molecular consequence: missense variant.
Genome position (GRCh38, 1-based): chr2:178,601,784, C>T on the plus strand (G>A on the coding strand, the complement: TTN is on the minus strand). VCF-style: chr2-178601784-C-T. GRCh37 (hg19) VCF-style: chr2-179466511-C-T.
Other names: c.28111G>A, p.Glu9371Lys (NM_003319.4); c.28486G>A, p.Glu9496Lys (NM_133432.3); c.28687G>A, p.Glu9563Lys (NM_133437.4); c.50383G>A, p.Glu16795Lys (NM_001256850.1); c.47602G>A, p.Glu15868Lys (NM_133378.4); short protein forms E15868K, E18436K, E16795K, E9371K, E9563K, E9496K.
Identifiers: ClinVar variation 165970 (VCV000165970.21), dbSNP rs201510986, ClinGen allele CA178718.

ClinVar aggregate classification (germline): Conflicting classifications of pathogenicity. Review status: criteria provided, conflicting classifications (1 of 4 stars). 11 submissions from 11 submitters: Uncertain significance (5); Likely benign (2). 4 of the submissions do not count toward it. Last evaluated 2026-08-29.

Conditions:
Cardiovascular phenotype. Identifiers: MedGen CN230736.
TTN-related disorder. Also called: TTN-related condition; TTN-related disease; TTN-related disorders.
Dilated cardiomyopathy 1G (CMD1G). Identifiers: Orphanet 154, MedGen C1858763, MONDO:0011400, OMIM 604145.
Autosomal recessive limb-girdle muscular dystrophy type 2J (LGMDR10). Also called: Limb-girdle muscular dystrophy, type 2J; MUSCULAR DYSTROPHY, LIMB-GIRDLE, AUTOSOMAL RECESSIVE 10. Identifiers: Orphanet 140922, MedGen C1837342, MONDO:0012127, OMIM 608807.

Allele frequency attached by ClinVar (database versions not stated): gnomAD exomes 0.00001; ExAC 0.00003; TOPMed 0.00015; ESP Exome Variant Server 0.00017; gnomAD 0.00017 and 0.00021.
gnomAD v4.1: 40 of 1,603,052 alleles (0.0025%); highest among the groups gnomAD compares: African/African-American, 0.047%; no homozygotes.

Submissions (11):

PreventionGenetics, part of Exact Sciences
Classification: Uncertain significance for TTN-related condition. Last evaluated: 2026-08-29. Review status: criteria provided, single submitter. Criteria: ACMG Guidelines, 2015. Collection method: clinical testing. Allele origin: germline.
Comment: The TTN c.55306G>A variant is predicted to result in the amino acid substitution p.Glu18436Lys. This variant has been reported in a case of sudden cardiac death (described as p.E15868K in case #16, Campuzano et al. 2014. PubMed ID: 25447171). However, this individual also harbored additional variants, including two other TTN missense variants. This variant is reported in 0.037% of alleles in individuals of African descent in gnomAD. At this time, the clinical significance of this variant is uncertain due to the absence of conclusive functional and genetic evidence.

Revvity Omics, Revvity
Classification: Uncertain significance. Last evaluated: 2023-06-30. Review status: criteria provided, single submitter. Criteria: ACMG Guidelines, 2015. Collection method: clinical testing. Allele origin: germline.

Blueprint Genetics
Classification: Likely benign. Last evaluated: 2022-07-08. Review status: criteria provided, single submitter. Criteria: ACMG Guidelines, 2015. Collection method: clinical testing. Allele origin: germline.

GeneDx
Classification: Likely benign. Last evaluated: 2020-03-18. Review status: criteria provided, single submitter. Criteria: GeneDx Variant Classification Process June 2021. Collection method: clinical testing. Allele origin: germline. Affected: yes.
Comment: This variant is associated with the following publications: (PMID: 25447171)

Ambry Genetics
Classification: Uncertain significance for Cardiovascular phenotype. Last evaluated: 2019-12-30. Review status: criteria provided, single submitter. Criteria: Ambry Variant Classification Scheme 2023. Collection method: clinical testing. Allele origin: germline.
Comment: The p.E9371K variant (also known as c.28111G>A and under NM_133378.4: p.E15868K), located in coding exon 113 of the TTN gene, results from a G to A substitution at nucleotide position 28111. The glutamic acid at codon 9371 is replaced by lysine, an amino acid with similar properties. This alteration has been reported in a sudden cardiac death cohort in one subject who also had alterations in other cardiac-related genes (Campuzano O et al. Forensic Sci. Int., 2014 12;245:30-7). This amino acid position is highly conserved in available vertebrate species. In addition, this alteration is predicted to be tolerated by in silico analysis. Since supporting evidence is limited at this time, the clinical significance of this alteration remains unclear.

Labcorp Genetics (formerly Invitae), Labcorp
Classification: Uncertain significance for Dilated cardiomyopathy 1G; Autosomal recessive limb-girdle muscular dystrophy type 2J. Last evaluated: 2016-12-15. Review status: criteria provided, single submitter. Criteria: Invitae Variant Classification Sherloc (09022015). Collection method: clinical testing. Allele origin: germline.

Laboratory for Molecular Medicine, Mass General Brigham Personalized Medicine
Classification: Uncertain significance. Last evaluated: 2014-08-22. Review status: criteria provided, single submitter. Criteria: LMM Criteria. Collection method: clinical testing. Allele origin: germline. Observed: 1 variant allele.
Comment: The Glu15868Lys variant in TTN has not been previously reported in individuals w ith cardiomyopathy, but has been identified in 2/3642 African American chromosom es by the NHLBI Exome Sequencing Project (dbS NP rs201510986). Computational prediction tools and conservation analysis do not provide strong support for or against an impact to the protein. In summary, the clinical significance of the Glu15868Lys variant is uncertain.

Clinical Genetics DNA and cytogenetics Diagnostics Lab, Erasmus MC, Erasmus Medical Center
Classification: Uncertain significance. Review status: no assertion criteria provided. Collection method: clinical testing. Allele origin: germline. Affected: yes. Study: VKGL Data-share Consensus. Not counted in ClinVar's aggregate classification.

Diagnostic Laboratory, Department of Genetics, University Medical Center Groningen
Classification: Uncertain significance. Review status: no assertion criteria provided. Collection method: clinical testing. Allele origin: germline. Affected: yes. Study: VKGL Data-share Consensus. Not counted in ClinVar's aggregate classification.

Genome Diagnostics Laboratory, University Medical Center Utrecht
Classification: Uncertain significance. Review status: no assertion criteria provided. Collection method: clinical testing. Allele origin: germline. Affected: yes. Study: VKGL Data-share Consensus. Not counted in ClinVar's aggregate classification.

Laboratory of Diagnostic Genome Analysis, Leiden University Medical Center (LUMC)
Classification: Uncertain significance. Review status: no assertion criteria provided. Collection method: clinical testing. Allele origin: germline. Affected: yes. Study: VKGL Data-share Consensus. Not counted in ClinVar's aggregate classification.

Literature cited by the submitters: PubMed 25447171 (cited by Ambry Genetics).